The following is an entry in ClinVar:

NM_000070.3(CAPN3):c.1227A>G (p.Thr409=)

Gene: CAPN3 (calpain 3; plus strand). Cytogenetic location: 15q15.1.
Variant type: single nucleotide variant.
Coding change: c.1227A>G on transcript NM_000070.3 (MANE Select); coding-DNA position 1227, A replaced by G.
Protein change: p.Thr409=; no amino-acid change (threonine 409 retained).
Molecular consequence: synonymous variant.
Genome position (GRCh38, 1-based): chr15:42,399,525, A>G. VCF-style: chr15-42399525-A-G. GRCh37 (hg19) VCF-style: chr15-42691723-A-G.
Other names: c.1227A>G, p.Thr409= (NM_024344.2); c.1083A>G, p.Thr361= (NM_173087.2).
Identifiers: ClinVar variation 281088 (VCV000281088.19), dbSNP rs111806046, ClinGen allele CA7511296.
Genomic context (GRCh38, chr15:42,399,525, plus strand): 5'-GCTCTCTCTCTTCTTCCAACCTCTCAGGATGTCCTATGAGGATTTCATCTACCATTTCAC[A>G]AAGTTGGAGATCTGCAACCTCACGGCCGATGCTCTGCAGTCTGACAAGCTTCAGACCTGG-3'
Protein context (NP_000061.1, residues 399-419): MSYEDFIYHF[Thr409=]KLEICNLTAD

ClinVar aggregate classification (germline): Conflicting classifications of pathogenicity. Review status: criteria provided, conflicting classifications (1 of 4 stars). 5 submissions from 5 submitters: Uncertain significance (1); Likely benign (2). 2 of the submissions do not count toward it. Last evaluated 2026-01-26.

Conditions:
CAPN3-related disorder. Also called: CAPN3-related condition; CAPN3-related disorders. Identifiers: MedGen CN239245.
Autosomal recessive limb-girdle muscular dystrophy type 2A (LGMDR1). Also called: Muscular dystrophy, limb-girdle, type 2A, Amish; Limb-girdle muscular dystrophy, type 2A; Calpainopathy; LEYDEN-MOEBIUS MUSCULAR DYSTROPHY; MUSCULAR DYSTROPHY, PELVOFEMORAL. Identifiers: Orphanet 267, MedGen C1869123, MONDO:0009675, OMIM 253600. Disease mechanism: loss of function.

Allele frequency attached by ClinVar (database versions not stated): TOPMed 0.00015; ESP Exome Variant Server 0.00031.
gnomAD v4.1: 378 of 1,613,776 alleles (0.023%); highest among the groups gnomAD compares: Non-Finnish European, 0.031%; no homozygotes.

Submissions (5):

Labcorp Genetics (formerly Invitae), Labcorp
Classification: Likely benign for Autosomal recessive limb-girdle muscular dystrophy type 2A. Last evaluated: 2026-01-26. Review status: criteria provided, single submitter. Criteria: Invitae Variant Classification Sherloc (09022015). Collection method: clinical testing. Allele origin: germline.

Blueprint Genetics
Classification: Likely benign. Last evaluated: 2024-06-28. Review status: criteria provided, single submitter. Criteria: ACMG Guidelines, 2015. Collection method: clinical testing. Allele origin: germline.

Eurofins Ntd Llc (ga)
Classification: Uncertain significance. Last evaluated: 2016-06-20. Review status: criteria provided, single submitter. Criteria: EGL Classification Definitions 2015. Collection method: clinical testing. Allele origin: germline. Observed: 2 variant alleles, 1 heterozygote, 1 homozygote.

PreventionGenetics, part of Exact Sciences
Classification: Likely benign for CAPN3-related condition. Last evaluated: 2023-07-20. Review status: no assertion criteria provided. Collection method: clinical testing. Allele origin: germline. Not counted in ClinVar's aggregate classification.
Comment: This variant is classified as likely benign based on ACMG/AMP sequence variant interpretation guidelines (Richards et al. 2015 PMID: 25741868, with internal and published modifications).

Natera, Inc.
Classification: Likely benign for Limb-girdle muscular dystrophy type 2A. Last evaluated: 2020-04-17. Review status: no assertion criteria provided. Collection method: clinical testing. Allele origin: germline. Not counted in ClinVar's aggregate classification.